The following is an entry in ClinVar:

NM_001005498.4(RHBDF2):c.-272C>A

Gene: RHBDF2 (rhomboid 5 homolog 2; minus strand). Cytogenetic location: 17q25.1.
Variant type: single nucleotide variant.
Coding change: c.-272C>A on transcript NM_001005498.4 (MANE Select); 272 bases upstream of the start codon, C replaced by A.
Molecular consequence: 5 prime UTR variant. On other transcripts: non-coding transcript variant (3).
Genome position (GRCh38, 1-based): chr17:76,501,405, G>T on the plus strand (C>A on the coding strand, the complement: RHBDF2 is on the minus strand). VCF-style: chr17-76501405-G-T. GRCh37 (hg19) VCF-style: chr17-74497487-G-T.
Other names: c.-689C>A (NM_001376228.1); c.-912C>A (NM_001376229.1); c.-484C>A (NM_001376230.1); c.-272C>A (NM_024599.5).
Identifiers: ClinVar variation 325471 (VCV000325471.5), dbSNP rs551777579, ClinGen allele CA10646924.
Genomic context (GRCh38, chr17:76,501,405, plus strand): 5'-GCGCTCACCTCCCTGCGGCCCCAAGTCCCCGGGACGCAACTCCGTGCGGCGCCTGCGAGC[G>T]GCTGGGCGGTGGCTCCTCGGGGGCGGGGCGGCGGCGCTCCGCCTCTTCCCTACCTGCGCG-3'

ClinVar aggregate classification (germline): Benign (1 of 4 stars; one submission).

Conditions:
Palmoplantar keratoderma-esophageal carcinoma syndrome (TOC). Also called: KERATOSIS PALMARIS ET PLANTARIS WITH ESOPHAGEAL CANCER; PALMOPLANTAR KERATODERMA WITH ESOPHAGEAL CANCER; Tylosis with Esophageal Cancer. Identifiers: Orphanet 2198, MedGen C1835664, MONDO:0007856, OMIM 148500.

Allele frequency attached by ClinVar (database versions not stated): 1000 Genomes Project 0.00040; TOPMed 0.00076; gnomAD 0.00064; 1000 Genomes Project 30x 0.00125.

Submission:

Illumina Laboratory Services, Illumina
Classification: Benign for Palmoplantar keratoderma-esophageal carcinoma syndrome. Last evaluated: 2018-01-13. Review status: criteria provided, single submitter. Criteria: ICSL Variant Classification Criteria 13 December 2019. Collection method: clinical testing. Allele origin: germline.
Comment: This variant was observed in the ICSL laboratory as part of a predisposition screen in an ostensibly healthy population. It had not been previously curated by ICSL or reported in the Human Gene Mutation Database (HGMD: prior to June 1st, 2018), and was therefore a candidate for classification through an automated scoring system. Utilizing variant allele frequency, disease prevalence and penetrance estimates, and inheritance mode, an automated score was calculated to assess if this variant is too frequent to cause the disease. Based on the score and internal cut-off values, a variant classified as benign is not then subjected to further curation. The score for this variant resulted in a classification of benign for this disease.